The following is an entry in ClinVar:

NM_001329943.3(KIAA0586):c.465del (p.Gly156fs)

Gene: KIAA0586 (KIAA0586; plus strand). Cytogenetic location: 14q23.1.
Variant type: Deletion.
Coding change: c.465del on transcript NM_001329943.3 (MANE Select); coding-DNA position 465, one base deleted (A; older notation c.465delA).
Protein change: p.Gly156fs; shifts the reading frame from glycine 156.
Molecular consequence: frameshift variant.
Genome position (GRCh38, 1-based): chr14:58,442,760, A deleted. VCF-style (leftmost placement, unchanged base first): chr14-58442759-CA-C. GRCh37 (hg19) VCF-style: chr14-58909477-CA-C.
Other names: c.465del, p.Gly156fs (NM_001329944.2, NM_001329946.2, NM_001329947.2 and 1 more transcripts); c.210del, p.Gly71fs (NM_001329945.2, NM_001364700.1, NM_001364701.2 and 1 more transcripts); c.624del, p.Gly209fs (NM_001244189.2); c.420del, p.Gly141fs (NM_001244190.2); c.333del, p.Gly112fs (NM_001244192.2); c.45del, p.Gly16fs (NM_001244193.2); short protein forms G112fs, G156fs, G71fs, G141fs, G16fs, G209fs.
Identifiers: ClinVar variation 2941409 (VCV002941409.3), dbSNP rs2542787143, ClinGen allele CA2625060841.

ClinVar aggregate classification (germline): Pathogenic (1 of 4 stars; one submission).

Conditions:
Joubert syndrome 23 (JBTS23). Identifiers: Orphanet 475, MedGen C4084822, MONDO:0014664, OMIM 616490.
Short-rib thoracic dysplasia 14 with polydactyly (SRTD14). Identifiers: Orphanet 397715, MedGen C4225286, MONDO:0014688, OMIM 616546.

Allele frequency attached by ClinVar (database versions not stated): gnomAD exomes below 0.00001.

Submission:

Labcorp Genetics (formerly Invitae), Labcorp
Classification: Pathogenic for Joubert syndrome 23; Short-rib thoracic dysplasia 14 with polydactyly. Last evaluated: 2022-11-08. Review status: criteria provided, single submitter. Criteria: Invitae Variant Classification Sherloc (09022015). Collection method: clinical testing. Allele origin: germline.
Comment: For these reasons, this variant has been classified as Pathogenic. This variant has not been reported in the literature in individuals affected with KIAA0586-related conditions. This variant is not present in population databases (gnomAD no frequency). This sequence change creates a premature translational stop signal (p.Gly209Alafs*2) in the KIAA0586 gene. It is expected to result in an absent or disrupted protein product. Loss-of-function variants in KIAA0586 are known to be pathogenic (PMID: 26096313, 26166481, 26386044).

Literature cited by the submitters: PubMed 26096313; PubMed 26166481; PubMed 26386044.